The following is an entry in ClinVar:

NM_152393.4(KLHL40):c.1405G>T (p.Gly469Cys)

Gene: KLHL40 (kelch like family member 40; plus strand). Cytogenetic location: 3p22.1.
Variant type: single nucleotide variant.
Coding change: c.1405G>T on transcript NM_152393.4 (MANE Select); coding-DNA position 1405, G replaced by T.
Protein change: p.Gly469Cys; replaces glycine 469 with cysteine.
Molecular consequence: missense variant.
Genome position (GRCh38, 1-based): chr3:42,688,701, G>T. VCF-style: chr3-42688701-G-T. GRCh37 (hg19) VCF-style: chr3-42730193-G-T.
Other names: short protein forms G469C.
Identifiers: ClinVar variation 60513 (VCV000060513.9), dbSNP rs367579275, ClinGen allele CA214760.
Genomic context (GRCh38, chr3:42,688,701, plus strand): 5'-CCTTACGTGGTGTATGGCCACACAGTGCTCTCCCACATGGACCTTGTCTACGTAATTGGC[G>T]GCAAAGGCAGTGACAGGTGAGGCTGGGCCTGGAGTGAGTCTGTGGAGCAGAGGTAGAATC-3'
Protein context (NP_689606.2, residues 459-479): SHMDLVYVIG[Gly469Cys]KGSDRKCLNK

ClinVar aggregate classification (germline): Pathogenic. Review status: criteria provided, single submitter (1 of 4 stars). 2 submissions from 2 submitters: Pathogenic (1). 1 of the submissions does not count toward it. Last evaluated 2025-08-21.

Conditions:
Nemaline myopathy 8 (NEM8). Also called: Nemaline myopathy 8, autosomal recessive. Identifiers: Orphanet 171430, MedGen C3809209, MONDO:0014138, OMIM 615348.

gnomAD v4.1: 8 of 1,613,612 alleles (0.0005%); highest among the groups gnomAD compares: East Asian, 0.018%; no homozygotes.

Submissions (2):

Labcorp Genetics (formerly Invitae), Labcorp
Classification: Pathogenic for Nemaline myopathy 8. Last evaluated: 2025-08-21. Review status: criteria provided, single submitter. Criteria: Invitae Variant Classification Sherloc (09022015). Collection method: clinical testing. Allele origin: germline.
Comment: This sequence change replaces glycine, which is neutral and non-polar, with cysteine, which is neutral and slightly polar, at codon 469 of the KLHL40 protein (p.Gly469Cys). This variant is not present in population databases (gnomAD no frequency). This missense change has been observed in individual(s) with nemaline myopathy (PMID: 23746549, 25721947, 35131284). In at least one individual the data is consistent with being in trans (on the opposite chromosome) from a pathogenic variant. It has also been observed to segregate with disease in related individuals. ClinVar contains an entry for this variant (Variation ID: 60513). Invitae Evidence Modeling of protein sequence and biophysical properties (such as structural, functional, and spatial information, amino acid conservation, physicochemical variation, residue mobility, and thermodynamic stability) has been performed for this missense variant. However, the output from this modeling did not meet the statistical confidence thresholds required to predict the impact of this variant on KLHL40 protein function. This variant disrupts the p.Gly469 amino acid residue in KLHL40. Other variant(s) that disrupt this residue have been determined to be pathogenic (PMID: 34930662; Internal data). This suggests that this residue is clinically significant, and that variants that disrupt this residue are likely to be disease-causing. For these reasons, this variant has been classified as Pathogenic.

OMIM
Classification: Pathogenic for NEMALINE MYOPATHY 8. Last evaluated: 2013-07-11. Review status: no assertion criteria provided. Collection method: literature only. Allele origin: germline. Not counted in ClinVar's aggregate classification.

Literature cited by the submitters: PubMed 23746549 (cited by Labcorp Genetics (formerly Invitae), Labcorp and OMIM); PubMed 25721947 (cited by Labcorp Genetics (formerly Invitae), Labcorp); PubMed 35131284 (cited by Labcorp Genetics (formerly Invitae), Labcorp); PubMed 34930662 (cited by Labcorp Genetics (formerly Invitae), Labcorp).